The following is an entry in ClinVar:

ClinVar aggregate classification (germline): Uncertain significance (1 of 4 stars; one submission).

gnomAD v4.1: 4 of 1,614,068 alleles (0.00025%); highest among the groups gnomAD compares: African/African-American, 0.0027%; no homozygotes.

Submission:

Labcorp Genetics (formerly Invitae), Labcorp
Classification: Uncertain significance. Last evaluated: 2022-05-24. Review status: criteria provided, single submitter. Criteria: Invitae Variant Classification Sherloc (09022015). Collection method: clinical testing. Allele origin: germline.
Comment: This sequence change replaces arginine, which is basic and polar, with histidine, which is basic and polar, at codon 203 of the PIGV protein (p.Arg203His). This variant is present in population databases (no rsID available, gnomAD 0.006%). This variant has not been reported in the literature in individuals affected with PIGV-related conditions. Algorithms developed to predict the effect of missense changes on protein structure and function (SIFT, PolyPhen-2, Align-GVGD) all suggest that this variant is likely to be disruptive. In summary, the available evidence is currently insufficient to determine the role of this variant in disease. Therefore, it has been classified as a Variant of Uncertain Significance.

NM_017837.4(PIGV):c.608G>A (p.Arg203His)

Gene: PIGV (phosphatidylinositol glycan anchor biosynthesis class V; plus strand). Cytogenetic location: 1p36.11.
Variant type: single nucleotide variant.
Coding change: c.608G>A on transcript NM_017837.4 (MANE Select); coding-DNA position 608, G replaced by A.
Protein change: p.Arg203His; replaces arginine 203 with histidine.
Molecular consequence: missense variant. On other transcripts: non-coding transcript variant (1), intron variant (3).
Genome position (GRCh38, 1-based): chr1:26,794,642, G>A. VCF-style: chr1-26794642-G-A. GRCh37 (hg19) VCF-style: chr1-27121133-G-A.
Other names: c.608G>A, p.Arg203His (NM_001202554.2, NM_001374478.1, NM_001374480.1 and 2 more transcripts); c.227G>A, p.Arg76His (NM_001374483.1); c.173-192G>A (NM_001374484.1, NM_001374485.1); c.79-2921G>A (NM_001374486.1); short protein forms R76H, R203H.
Identifiers: ClinVar variation 1906107 (VCV001906107.2), dbSNP rs1168553787, ClinGen allele CA339200106.